The following is an entry in ClinVar:

NM_004385.5(VCAN):c.2215T>C (p.Ser739Pro)

Gene: VCAN (versican; plus strand). Cytogenetic location: 5q14.3.
Variant type: single nucleotide variant.
Coding change: c.2215T>C on transcript NM_004385.5 (MANE Select); coding-DNA position 2215, T replaced by C.
Protein change: p.Ser739Pro; replaces serine 739 with proline.
Molecular consequence: missense variant. On other transcripts: intron variant (2).
Genome position (GRCh38, 1-based): chr5:83,520,521, T>C. VCF-style: chr5-83520521-T-C. GRCh37 (hg19) VCF-style: chr5-82816340-T-C.
Other names: c.2215T>C, p.Ser739Pro (NM_001164098.2); c.1042+8125T>C (NM_001164097.2, NM_001126336.3); c.2215T>C (NM_004385.4); short protein forms S739P.
Identifiers: ClinVar variation 1922171 (VCV001922171.7), dbSNP rs1474833403, ClinGen allele CA360303450.

ClinVar aggregate classification (germline): Uncertain significance. Review status: criteria provided, multiple submitters, no conflicts (2 of 4 stars). 3 submissions from 3 submitters: Uncertain significance (3). Last evaluated 2024-12-02.

Conditions:
Inborn genetic diseases. Identifiers: MedGen C0950123, MeSH D030342.

Allele frequency attached by ClinVar (database versions not stated): gnomAD exomes below 0.00001.
gnomAD v4.1: 3 of 1,613,964 alleles (0.00019%); highest among the groups gnomAD compares: East Asian, 0.0022%; no homozygotes.

Submissions (3):

Ambry Genetics
Classification: Uncertain significance for Inborn genetic diseases. Last evaluated: 2024-12-02. Review status: criteria provided, single submitter. Criteria: Ambry Variant Classification Scheme 2023. Collection method: clinical testing. Allele origin: germline.

Blueprint Genetics
Classification: Uncertain significance. Last evaluated: 2024-11-20. Review status: criteria provided, single submitter. Criteria: ACMG Guidelines, 2015. Collection method: clinical testing. Allele origin: germline.

Labcorp Genetics (formerly Invitae), Labcorp
Classification: Uncertain significance. Last evaluated: 2023-07-27. Review status: criteria provided, single submitter. Criteria: Invitae Variant Classification Sherloc (09022015). Collection method: clinical testing. Allele origin: germline.
Comment: In summary, the available evidence is currently insufficient to determine the role of this variant in disease. Therefore, it has been classified as a Variant of Uncertain Significance. Algorithms developed to predict the effect of missense changes on protein structure and function output the following: SIFT: "Not Available"; PolyPhen-2: "Benign"; Align-GVGD: "Not Available". The proline amino acid residue is found in multiple mammalian species, which suggests that this missense change does not adversely affect protein function. ClinVar contains an entry for this variant (Variation ID: 1922171). This variant has not been reported in the literature in individuals affected with VCAN-related conditions. This variant is present in population databases (no rsID available, gnomAD 0.006%). This sequence change replaces serine, which is neutral and polar, with proline, which is neutral and non-polar, at codon 739 of the VCAN protein (p.Ser739Pro).